The following is an entry in ClinVar:

NM_000448.3(RAG1):c.104T>A (p.Val35Glu)

Gene: RAG1 (recombination activating 1; plus strand). Cytogenetic location: 11p12.
Variant type: single nucleotide variant.
Coding change: c.104T>A on transcript NM_000448.3 (MANE Select); coding-DNA position 104, T replaced by A.
Protein change: p.Val35Glu; replaces valine 35 with glutamic acid.
Molecular consequence: missense variant.
Genome position (GRCh38, 1-based): chr11:36,573,408, T>A. VCF-style: chr11-36573408-T-A. GRCh37 (hg19) VCF-style: chr11-36594958-T-A.
Other names: c.104T>A, p.Val35Glu (NM_001377277.1, NM_001377278.1, NM_001377279.1 and 1 more transcripts); short protein forms V35E.
Identifiers: ClinVar variation 1476434 (VCV001476434.3), dbSNP rs1414071641, ClinGen allele CA380145514.

ClinVar aggregate classification (germline): Uncertain significance (1 of 4 stars; one submission).

Conditions:
Combined immunodeficiency with skin granulomas. Identifiers: Orphanet 157949, MedGen C2673536, MONDO:0009306, OMIM 233650.
Severe combined immunodeficiency, autosomal recessive, T cell-negative, B cell-negative, NK cell-positive. Also called: Severe combined immunodeficiency due to complete RAG1/2 deficiency; SCID, AR, T-cell negative, B-cell negative, NK cell-positive; SCID, T CELL-NEGATIVE, B CELL-NEGATIVE, NK CELL-POSITIVE. Identifiers: Orphanet 331206, MedGen C1832322, MONDO:0011086, OMIM 601457.

Allele frequency attached by ClinVar (database versions not stated): gnomAD exomes below 0.00001.
gnomAD v4.1: 6 of 1,614,048 alleles (0.00037%); highest among the groups gnomAD compares: South Asian, 0.0055%; no homozygotes.

Submission:

Labcorp Genetics (formerly Invitae), Labcorp
Classification: Uncertain significance for Combined immunodeficiency with skin granulomas; Severe combined immunodeficiency, autosomal recessive, T cell-negative, B cell-negative, NK cell-positive. Last evaluated: 2021-11-02. Review status: criteria provided, single submitter. Criteria: Invitae Variant Classification Sherloc (09022015). Collection method: clinical testing. Allele origin: germline.
Comment: This sequence change replaces valine, which is neutral and non-polar, with glutamic acid, which is acidic and polar, at codon 35 of the RAG1 protein (p.Val35Glu). This variant is present in population databases (no rsID available, gnomAD 0.003%). This variant has not been reported in the literature in individuals affected with RAG1-related conditions. Advanced modeling of protein sequence and biophysical properties (such as structural, functional, and spatial information, amino acid conservation, physicochemical variation, residue mobility, and thermodynamic stability) performed at Invitae indicates that this missense variant is expected to disrupt RAG1 protein function. In summary, the available evidence is currently insufficient to determine the role of this variant in disease. Therefore, it has been classified as a Variant of Uncertain Significance.